The following is an entry in ClinVar:

NM_001083116.3(PRF1):c.884C>A (p.Thr295Asn)

Gene: PRF1 (perforin 1; minus strand). Cytogenetic location: 10q22.1.
Variant type: single nucleotide variant.
Coding change: c.884C>A on transcript NM_001083116.3 (MANE Select); coding-DNA position 884, C replaced by A.
Protein change: p.Thr295Asn; replaces threonine 295 with asparagine.
Molecular consequence: missense variant.
Genome position (GRCh38, 1-based): chr10:70,598,837, G>T on the plus strand (C>A on the coding strand, the complement: PRF1 is on the minus strand). VCF-style: chr10-70598837-G-T. GRCh37 (hg19) VCF-style: chr10-72358593-G-T.
Other names: c.884C>A, p.Thr295Asn (NM_005041.6); short protein forms T295N.
Identifiers: ClinVar variation 2825758 (VCV002825758.3), dbSNP rs994119457, ClinGen allele CA376958024.
Genomic context (GRCh38, chr10:70,598,837, plus strand): 5'-AGCAGGTCGTTAATGGAGGTGTGATGGCCGCCAACCACTTCCGAGTGGCGCTCCCGGTAG[G>T]TTTGGTGGAAGGAGGCCGTCATCTTGTGCTTCTTCTTCTTCTCCTCACAGGCCTTGGCTT-3'
Protein context (NP_001076585.1, residues 285-305): KHKMTASFHQ[Thr295Asn]YRERHSEVVG

ClinVar aggregate classification (germline): Uncertain significance (1 of 4 stars; one submission).

Conditions:
Familial hemophagocytic lymphohistiocytosis 2 (FHL2). Also called: PRF1-Related Familial Hemophagocytic Lymphohistiocytosis (PRF1-fHLH). Identifiers: Orphanet 540, MedGen C1863727, MONDO:0011337, OMIM 603553.

Submission:

Labcorp Genetics (formerly Invitae), Labcorp
Classification: Uncertain significance for Familial hemophagocytic lymphohistiocytosis 2. Last evaluated: 2023-06-28. Review status: criteria provided, single submitter. Criteria: Invitae Variant Classification Sherloc (09022015). Collection method: clinical testing. Allele origin: germline.
Comment: This variant is not present in population databases (gnomAD no frequency). In summary, the available evidence is currently insufficient to determine the role of this variant in disease. Therefore, it has been classified as a Variant of Uncertain Significance. Advanced modeling of protein sequence and biophysical properties (such as structural, functional, and spatial information, amino acid conservation, physicochemical variation, residue mobility, and thermodynamic stability) has been performed at Invitae for this missense variant, however the output from this modeling did not meet the statistical confidence thresholds required to predict the impact of this variant on PRF1 protein function. This variant has not been reported in the literature in individuals affected with PRF1-related conditions. This sequence change replaces threonine, which is neutral and polar, with asparagine, which is neutral and polar, at codon 295 of the PRF1 protein (p.Thr295Asn).